The following is an entry in ClinVar:

NM_015311.3(OBSL1):c.4441G>A (p.Val1481Met)

Gene: OBSL1 (obscurin like cytoskeletal adaptor 1; minus strand). Cytogenetic location: 2q35.
Variant type: single nucleotide variant.
Coding change: c.4441G>A on transcript NM_015311.3 (MANE Select); coding-DNA position 4441, G replaced by A.
Protein change: p.Val1481Met; replaces valine 1481 with methionine.
Molecular consequence: missense variant.
Genome position (GRCh38, 1-based): chr2:219,556,188, C>T on the plus strand (G>A on the coding strand, the complement: OBSL1 is on the minus strand). VCF-style: chr2-219556188-C-T. GRCh37 (hg19) VCF-style: chr2-220420910-C-T.
Other names: c.4441G>A, p.Val1481Met (NM_001173431.2); short protein forms V1481M.
Identifiers: ClinVar variation 334473 (VCV000334473.13), dbSNP rs749067992, ClinGen allele CA2130542.

ClinVar aggregate classification (germline): Uncertain significance. Review status: criteria provided, multiple submitters, no conflicts (2 of 4 stars). 3 submissions from 3 submitters: Uncertain significance (3). Last evaluated 2023-05-17.

Conditions:
3M syndrome 2. Also called: 3-M Syndrome, OBSL1-Related; THREE M SYNDROME 2. Identifiers: Orphanet 2616, MedGen C2752041, MONDO:0013039, OMIM 612921.
Inborn genetic diseases. Identifiers: MedGen C0950123, MeSH D030342.

Allele frequency attached by ClinVar (database versions not stated): gnomAD exomes 0.00001 and 0.00003; ExAC 0.00003; gnomAD 0.00003; TOPMed 0.00003.
gnomAD v4.1: 52 of 1,612,310 alleles (0.0032%); highest among the groups gnomAD compares: Non-Finnish European, 0.0039%; no homozygotes.

Submissions (3):

Ambry Genetics
Classification: Uncertain significance for Inborn genetic diseases. Last evaluated: 2023-05-17. Review status: criteria provided, single submitter. Criteria: Ambry Variant Classification Scheme 2023. Collection method: clinical testing. Allele origin: germline.

Labcorp Genetics (formerly Invitae), Labcorp
Classification: Uncertain significance. Last evaluated: 2022-11-28. Review status: criteria provided, single submitter. Criteria: Invitae Variant Classification Sherloc (09022015). Collection method: clinical testing. Allele origin: germline.
Comment: This variant has not been reported in the literature in individuals affected with OBSL1-related conditions. This variant is present in population databases (rs749067992, gnomAD 0.004%). This sequence change replaces valine, which is neutral and non-polar, with methionine, which is neutral and non-polar, at codon 1481 of the OBSL1 protein (p.Val1481Met). ClinVar contains an entry for this variant (Variation ID: 334473). In summary, the available evidence is currently insufficient to determine the role of this variant in disease. Therefore, it has been classified as a Variant of Uncertain Significance. Algorithms developed to predict the effect of missense changes on protein structure and function are either unavailable or do not agree on the potential impact of this missense change (SIFT: "Deleterious"; PolyPhen-2: "Probably Damaging"; Align-GVGD: "Class C0").

Illumina Laboratory Services, Illumina
Classification: Uncertain significance for 3M syndrome 2. Last evaluated: 2018-01-13. Review status: criteria provided, single submitter. Criteria: ICSL Variant Classification Criteria 13 December 2019. Collection method: clinical testing. Allele origin: germline.